The following is an entry in ClinVar:

ClinVar aggregate classification (germline): Benign/Likely benign. Review status: criteria provided, multiple submitters, no conflicts (2 of 4 stars). 3 submissions from 3 submitters: Benign (1); Likely benign (2). Last evaluated 2025-01-10.

Conditions:
Hereditary cancer-predisposing syndrome. Also called: Hereditary Cancer Syndrome; Neoplastic Syndromes, Hereditary; Hereditary neoplastic syndrome; Tumor predisposition. Identifiers: Orphanet 140162, MedGen C0027672, MeSH D009386, MONDO:0015356.
Familial cancer of breast. Also called: BREAST CANCER, FAMILIAL; Hereditary breast cancer; hereditary breast carcinoma. Identifiers: Orphanet 227535, MedGen C0346153, MONDO:0016419, OMIM 114480. Disease mechanism: loss of function.

Allele frequency attached by ClinVar (database versions not stated): gnomAD exomes below 0.00001.
gnomAD v4.1: 1 of 1,613,842 alleles (0.000062%); highest among the groups gnomAD compares: East Asian, 0.0022%; no homozygotes.

Submissions (3):

Myriad Genetics, Inc.
Classification: Benign for Familial cancer of breast. Last evaluated: 2025-01-10. Review status: criteria provided, single submitter. Criteria: Myriad Autosomal Dominant, Autosomal Recessive and X-Linked Classification Criteria (2023). Collection method: clinical testing. Allele origin: unknown.
Comment: This variant is considered benign. This variant is a silent/synonymous amino acid change and it is not expected to impact splicing.

Ambry Genetics
Classification: Likely benign for Hereditary cancer-predisposing syndrome. Last evaluated: 2023-12-24. Review status: criteria provided, single submitter. Criteria: Ambry Variant Classification Scheme 2023. Collection method: clinical testing. Allele origin: germline.

Labcorp Genetics (formerly Invitae), Labcorp
Classification: Likely benign for Familial cancer of breast. Last evaluated: 2022-10-11. Review status: criteria provided, single submitter. Criteria: Invitae Variant Classification Sherloc (09022015). Collection method: clinical testing. Allele origin: germline.

NM_024675.4(PALB2):c.300T>C (p.Leu100=)

Gene: PALB2 (partner and localizer of BRCA2; minus strand). Cytogenetic location: 16p12.2.
Variant type: single nucleotide variant.
Coding change: c.300T>C on transcript NM_024675.4 (MANE Select); coding-DNA position 300, T replaced by C.
Protein change: p.Leu100=; no amino-acid change (leucine 100 retained).
Molecular consequence: synonymous variant. On other transcripts: 5 prime UTR variant (8), intron variant (3).
Genome position (GRCh38, 1-based): chr16:23,636,246, A>G on the plus strand (T>C on the coding strand, the complement: PALB2 is on the minus strand). VCF-style: chr16-23636246-A-G. GRCh37 (hg19) VCF-style: chr16-23647567-A-G.
Other names: c.240T>C, p.Leu80= (NM_001407296.1); c.300T>C, p.Leu100= (NM_001407297.1, NM_001407298.1, NM_001407299.1 and 3 more transcripts); c.-586T>C (NM_001407304.1, NM_001407305.1, NM_001407306.1 and 5 more transcripts); c.48+4864T>C (NM_001407314.1); c.-105+4864T>C (NM_001407313.1, NM_001407312.1).
Identifiers: ClinVar variation 2035150 (VCV002035150.6), dbSNP rs1169777505, ClinGen allele CA494165632.